The following is an entry in ClinVar:

NM_001447.3(FAT2):c.6093G>A (p.Glu2031=)

Genes: FAT2 (FAT atypical cadherin 2; minus strand), SLC36A1 (solute carrier family 36 member 1; plus strand). Cytogenetic location: 5q33.1.
Variant type: single nucleotide variant.
Coding change: c.6093G>A on transcript NM_001447.3 (MANE Select); coding-DNA position 6093, G replaced by A.
Protein change: p.Glu2031=; no amino-acid change (glutamic acid 2031 retained).
Molecular consequence: synonymous variant.
Genome position (GRCh38, 1-based): chr5:151,545,034, C>T on the plus strand (G>A on the coding strand, the complement: FAT2 is on the minus strand). VCF-style: chr5-151545034-C-T. GRCh37 (hg19) VCF-style: chr5-150924595-C-T.
Other names: c.6093G>A (NM_001447.2).
Identifiers: ClinVar variation 2046807 (VCV002046807.6), dbSNP rs375482661, ClinGen allele CA3521172.

ClinVar aggregate classification (germline): Likely benign. Review status: criteria provided, single submitter (1 of 4 stars). 2 submissions from 2 submitters: Likely benign (1). 1 of the submissions does not count toward it. Last evaluated 2022-07-27.

Conditions:
FAT2-related disorder. Also called: FAT2-related condition.

Allele frequency attached by ClinVar (database versions not stated): ExAC 0.00002; gnomAD 0.00001; gnomAD exomes below 0.00001; TOPMed 0.00001.
gnomAD v4.1: 14 of 1,614,180 alleles (0.00087%); highest among the groups gnomAD compares: Admixed American, 0.0033%; no homozygotes.

Submissions (2):

Labcorp Genetics (formerly Invitae), Labcorp
Classification: Likely benign. Last evaluated: 2022-07-27. Review status: criteria provided, single submitter. Criteria: Invitae Variant Classification Sherloc (09022015). Collection method: clinical testing. Allele origin: germline.

PreventionGenetics, part of Exact Sciences
Classification: Likely benign for FAT2-related condition. Last evaluated: 2019-07-12. Review status: no assertion criteria provided. Collection method: clinical testing. Allele origin: germline. Not counted in ClinVar's aggregate classification.
Comment: This variant is classified as likely benign based on ACMG/AMP sequence variant interpretation guidelines (Richards et al. 2015 PMID: 25741868, with internal and published modifications).